The following is an entry in ClinVar:

ClinVar aggregate classification (germline): Likely benign. Review status: criteria provided, multiple submitters, no conflicts (2 of 4 stars). 3 submissions from 3 submitters: Likely benign (3). Last evaluated 2024-09-20.

Conditions:
Hereditary diffuse gastric adenocarcinoma (HDGC). Also called: DIFFUSE GASTRIC AND LOBULAR BREAST CANCER SYNDROME. Identifiers: Orphanet 26106, MedGen C1708349, MONDO:0007648, OMIM 137215.
Hereditary cancer-predisposing syndrome. Also called: Neoplastic Syndromes, Hereditary; Tumor predisposition; Hereditary neoplastic syndrome; Hereditary Cancer Syndrome. Identifiers: Orphanet 140162, MedGen C0027672, MeSH D009386, MONDO:0015356.

Allele frequency attached by ClinVar (database versions not stated): gnomAD 0.00001.
gnomAD v4.1: 1 of 1,613,458 alleles (0.000062%); highest among the groups gnomAD compares: Admixed American, 0.0017%; no homozygotes.

Submissions (3):

Myriad Genetics, Inc.
Classification: Likely benign for Hereditary diffuse gastric adenocarcinoma. Last evaluated: 2024-09-20. Review status: criteria provided, single submitter. Criteria: Myriad Autosomal Dominant, Autosomal Recessive and X-Linked Classification Criteria (2023). Collection method: clinical testing. Allele origin: unknown.
Comment: This variant is considered likely benign. This variant is intronic and is not expected to impact mRNA splicing.

Labcorp Genetics (formerly Invitae), Labcorp
Classification: Likely benign for Hereditary diffuse gastric adenocarcinoma. Last evaluated: 2023-08-04. Review status: criteria provided, single submitter. Criteria: Invitae Variant Classification Sherloc (09022015). Collection method: clinical testing. Allele origin: germline.

Color Diagnostics, LLC DBA Color Health
Classification: Likely benign for Hereditary cancer-predisposing syndrome. Last evaluated: 2021-04-02. Review status: criteria provided, single submitter. Criteria: ACMG Guidelines, 2015. Collection method: clinical testing. Allele origin: germline.

NM_004360.5(CDH1):c.2165-13C>T

Gene: CDH1 (cadherin 1; plus strand). Cytogenetic location: 16q22.1.
Variant type: single nucleotide variant.
Coding change: c.2165-13C>T on transcript NM_004360.5 (MANE Select); 13 bases into the intron before coding-DNA position 2165, C replaced by T.
Molecular consequence: intron variant.
Genome position (GRCh38, 1-based): chr16:68,828,161, C>T. VCF-style: chr16-68828161-C-T. GRCh37 (hg19) VCF-style: chr16-68862064-C-T.
Other names: c.617-13C>T (NM_001317185.2); c.200-13C>T (NM_001317186.2); c.1982-13C>T (NM_001317184.2).
Identifiers: ClinVar variation 1548839 (VCV001548839.10), dbSNP rs1293704443, ClinGen allele CA978526700.